The following is an entry in ClinVar:

NM_001164508.2(NEB):c.4233T>G (p.His1411Gln)

Gene: NEB (nebulin; minus strand). Cytogenetic location: 2q23.3.
Variant type: single nucleotide variant.
Coding change: c.4233T>G on transcript NM_001164508.2 (MANE Select); coding-DNA position 4233, T replaced by G.
Protein change: p.His1411Gln; replaces histidine 1411 with glutamine.
Molecular consequence: missense variant.
Genome position (GRCh38, 1-based): chr2:151,672,435, A>C on the plus strand (T>G on the coding strand, the complement: NEB is on the minus strand). VCF-style: chr2-151672435-A-C. GRCh37 (hg19) VCF-style: chr2-152528949-A-C.
Other names: c.4233T>G (NM_001271208.1); c.4233T>G, p.His1411Gln (NM_001164507.2, NM_001271208.2, NM_004543.5); short protein forms H1411Q.
Identifiers: ClinVar variation 1408424 (VCV001408424.5), dbSNP rs2099312487, ClinGen allele CA348816506.

ClinVar aggregate classification (germline): Uncertain significance. Review status: criteria provided, multiple submitters, no conflicts (2 of 4 stars). 2 submissions from 2 submitters: Uncertain significance (2). Last evaluated 2021-09-12.

Conditions:
Nemaline myopathy 2 (NEM2). Also called: Nemaline myopathy 2, autosomal recessive. Identifiers: MedGen C1850569, MONDO:0009725, OMIM 256030.

Allele frequency attached by ClinVar (database versions not stated): gnomAD 0.00001; gnomAD exomes 0.00001; TOPMed 0.00001.
gnomAD v4.1: 16 of 1,613,838 alleles (0.00099%); highest among the groups gnomAD compares: Non-Finnish European, 0.0014%; no homozygotes.

Submissions (2):

Labcorp Genetics (formerly Invitae), Labcorp
Classification: Uncertain significance for Nemaline myopathy 2. Last evaluated: 2021-09-12. Review status: criteria provided, single submitter. Criteria: Invitae Variant Classification Sherloc (09022015). Collection method: clinical testing. Allele origin: germline.
Comment: This sequence change replaces histidine with glutamine at codon 1411 of the NEB protein (p.His1411Gln). The histidine residue is highly conserved and there is a small physicochemical difference between histidine and glutamine. This variant is not present in population databases (ExAC no frequency). This variant has not been reported in the literature in individuals affected with NEB-related conditions. Algorithms developed to predict the effect of missense changes on protein structure and function are either unavailable or do not agree on the potential impact of this missense change (SIFT: "Deleterious"; PolyPhen-2: "Not Available"; Align-GVGD: "Class C0"). In summary, the available evidence is currently insufficient to determine the role of this variant in disease. Therefore, it has been classified as a Variant of Uncertain Significance.

Revvity Omics, Revvity
Classification: Uncertain significance. Last evaluated: 2020-12-11. Review status: criteria provided, single submitter. Criteria: ACMG Guidelines, 2015. Collection method: clinical testing. Allele origin: germline.